The following is an entry in ClinVar:

NM_001321120.2(TBX4):c.847C>T (p.Gln283Ter)

Gene: TBX4 (T-box transcription factor 4; plus strand). Cytogenetic location: 17q23.2.
Variant type: single nucleotide variant.
Coding change: c.847C>T on transcript NM_001321120.2 (MANE Select); coding-DNA position 847, C replaced by T.
Protein change: p.Gln283Ter; replaces glutamine 283 with a stop codon.
Molecular consequence: nonsense.
Genome position (GRCh38, 1-based): chr17:61,480,145, C>T. VCF-style: chr17-61480145-C-T. GRCh37 (hg19) VCF-style: chr17-59557506-C-T.
Other names: c.847C>T, p.Gln283Ter (NM_018488.3); c.847C>T (NM_018488.2); short protein forms Q283*.
Identifiers: ClinVar variation 2799754 (VCV002799754.4), dbSNP rs2509567162, ClinGen allele CA400474390.

ClinVar aggregate classification (germline): Pathogenic. Review status: criteria provided, multiple submitters, no conflicts (2 of 4 stars). 2 submissions from 2 submitters: Pathogenic (2). Last evaluated 2025-07-08.

Submissions (2):

GeneDx
Classification: Pathogenic. Last evaluated: 2025-07-08. Review status: criteria provided, single submitter. Criteria: GeneDx Variant Classification Process June 2021. Collection method: clinical testing. Allele origin: germline. Affected: yes.
Comment: Nonsense variant predicted to result in protein truncation or nonsense mediated decay in a gene for which loss of function is a known mechanism of disease; Not observed at significant frequency in large population cohorts (gnomAD); Has not been previously published as pathogenic or benign to our knowledge

Labcorp Genetics (formerly Invitae), Labcorp
Classification: Pathogenic. Last evaluated: 2023-04-24. Review status: criteria provided, single submitter. Criteria: Invitae Variant Classification Sherloc (09022015). Collection method: clinical testing. Allele origin: germline.
Comment: This variant has not been reported in the literature in individuals affected with TBX4-related conditions. For these reasons, this variant has been classified as Pathogenic. This variant is not present in population databases (gnomAD no frequency). This sequence change creates a premature translational stop signal (p.Gln283*) in the TBX4 gene. It is expected to result in an absent or disrupted protein product. Loss-of-function variants in TBX4 are known to be pathogenic (PMID: 15106123, 31151956, 31761294, 31965066, 32079640).

Literature cited by the submitters: PubMed 15106123 (cited by Labcorp Genetics (formerly Invitae), Labcorp); PubMed 31151956 (cited by Labcorp Genetics (formerly Invitae), Labcorp); PubMed 31761294 (cited by Labcorp Genetics (formerly Invitae), Labcorp); PubMed 31965066 (cited by Labcorp Genetics (formerly Invitae), Labcorp); PubMed 32079640 (cited by Labcorp Genetics (formerly Invitae), Labcorp).